The following is an entry in ClinVar:

NM_139027.6(ADAMTS13):c.722G>A (p.Gly241Asp)

Gene: ADAMTS13 (ADAM metallopeptidase with thrombospondin type 1 motif 13; plus strand). Cytogenetic location: 9q34.2.
Variant type: single nucleotide variant.
Coding change: c.722G>A on transcript NM_139027.6 (MANE Select); coding-DNA position 722, G replaced by A.
Protein change: p.Gly241Asp; replaces glycine 241 with aspartic acid.
Molecular consequence: missense variant.
Genome position (GRCh38, 1-based): chr9:133,428,669, G>A. VCF-style: chr9-133428669-G-A. GRCh37 (hg19) VCF-style: chr9-136293789-G-A.
Other names: c.722G>A, p.Gly241Asp (NM_139025.5, NM_139026.6); c.722G>A (NM_139025.3); short protein forms G241D.
Identifiers: ClinVar variation 1959850 (VCV001959850.4), dbSNP rs1334348965, ClinGen allele CA375384903.

ClinVar aggregate classification (germline): Uncertain significance. Review status: criteria provided, multiple submitters, no conflicts (2 of 4 stars). 3 submissions from 3 submitters: Uncertain significance (3). Last evaluated 2024-09-03.

Conditions:
Inborn genetic diseases. Identifiers: MedGen C0950123, MeSH D030342.
Upshaw-Schulman syndrome (TTP). Also called: THROMBOTIC THROMBOCYTOPENIC PURPURA, HEREDITARY; Congenital thrombotic thrombocytopenic purpura. Identifiers: Orphanet 93583, MedGen C1268935, MONDO:0010122, OMIM 274150.

Allele frequency attached by ClinVar (database versions not stated): gnomAD 0.00001; gnomAD exomes 0.00002; TOPMed 0.00002.

Submissions (3):

Ambry Genetics
Classification: Uncertain significance for Inborn genetic diseases. Last evaluated: 2024-09-03. Review status: criteria provided, single submitter. Criteria: Ambry Variant Classification Scheme 2023. Collection method: clinical testing. Allele origin: germline.

Fulgent Genetics
Classification: Uncertain significance for Upshaw-Schulman syndrome. Last evaluated: 2024-03-07. Review status: criteria provided, single submitter. Criteria: ACMG Guidelines, 2015. Collection method: clinical testing. Allele origin: germline.

Labcorp Genetics (formerly Invitae), Labcorp
Classification: Uncertain significance. Last evaluated: 2022-03-04. Review status: criteria provided, single submitter. Criteria: Invitae Variant Classification Sherloc (09022015). Collection method: clinical testing. Allele origin: germline.
Comment: This sequence change replaces glycine, which is neutral and non-polar, with aspartic acid, which is acidic and polar, at codon 241 of the ADAMTS13 protein (p.Gly241Asp). This variant is not present in population databases (gnomAD no frequency). This variant has not been reported in the literature in individuals affected with ADAMTS13-related conditions. Algorithms developed to predict the effect of missense changes on protein structure and function output the following: SIFT: "Tolerated"; PolyPhen-2: "Benign"; Align-GVGD: "Class C0". The aspartic acid amino acid residue is found in multiple mammalian species, which suggests that this missense change does not adversely affect protein function. In summary, the available evidence is currently insufficient to determine the role of this variant in disease. Therefore, it has been classified as a Variant of Uncertain Significance.